The following is an entry in ClinVar:

ClinVar aggregate classification (germline): Likely pathogenic (1 of 4 stars; one submission).

Conditions:
Spermatogenic failure 56. Identifiers: MedGen C5561978, MONDO:0030430, OMIM 619515.

Submission:

First Genomix Gene Laboratory, Genetic Diagnostics Department
Classification: Likely pathogenic for Spermatogenic failure 56. Last evaluated: 2025-01-10. Review status: criteria provided, single submitter. Criteria: ACMG Guidelines, 2015. Collection method: clinical testing. Allele origin: germline. Inheritance: Autosomal recessive inheritance. Affected: no. Observed: 1 variant allele.

NM_207437.3(DNAH10):c.10369delG

Gene: DNAH10 (dynein axonemal heavy chain 10; plus strand). Cytogenetic location: 12q24.31.
Variant type: Deletion.
Coding change: c.10369delG on transcript NM_207437.3; coding-DNA position 10369, one base deleted (G).
Molecular consequence: splice acceptor variant.
Genome position (GRCh38, 1-based): chr12:123,916,457, G deleted; the last of 2 consecutive G bases (chr12:123,916,456-123,916,457); deleting either gives the same sequence. VCF-style (leftmost placement, unchanged base first): chr12-123916455-AG-A. GRCh37 (hg19) VCF-style: chr12-124401002-AG-A.
Identifiers: ClinVar variation 4845748 (VCV004845748.1).